The following is an entry in ClinVar:

ClinVar aggregate classification (germline): Uncertain significance (1 of 4 stars; one submission).

Conditions:
Bethlem myopathy 1A. Also called: MYOPATHY, BENIGN CONGENITAL, WITH CONTRACTURES; Bethlem myopathy 1; Bethlem Muscular Dystrophy. Identifiers: Orphanet 610, MedGen CN029274, MONDO:0024530, OMIM 158810.

Allele frequency attached by ClinVar (database versions not stated): ExAC 0.00001; gnomAD 0.00001; gnomAD exomes 0.00001.
gnomAD v4.1: 6 of 1,614,056 alleles (0.00037%); highest among the groups gnomAD compares: East Asian, 0.0022%; no homozygotes.

Submission:

Labcorp Genetics (formerly Invitae), Labcorp
Classification: Uncertain significance for Bethlem myopathy 1A. Last evaluated: 2024-04-15. Review status: criteria provided, single submitter. Criteria: Invitae Variant Classification Sherloc (09022015). Collection method: clinical testing. Allele origin: germline.
Comment: This sequence change replaces glutamic acid, which is acidic and polar, with lysine, which is basic and polar, at codon 1905 of the COL6A3 protein (p.Glu1905Lys). This variant is present in population databases (rs746388527, gnomAD 0.0009%). This variant has not been reported in the literature in individuals affected with COL6A3-related conditions. ClinVar contains an entry for this variant (Variation ID: 2127891). Advanced modeling of protein sequence and biophysical properties (such as structural, functional, and spatial information, amino acid conservation, physicochemical variation, residue mobility, and thermodynamic stability) has been performed at Invitae for this missense variant, however the output from this modeling did not meet the statistical confidence thresholds required to predict the impact of this variant on COL6A3 protein function. In summary, the available evidence is currently insufficient to determine the role of this variant in disease. Therefore, it has been classified as a Variant of Uncertain Significance.

NM_004369.4(COL6A3):c.5713G>A (p.Glu1905Lys)

Gene: COL6A3 (collagen type VI alpha 3 chain; minus strand). Cytogenetic location: 2q37.3.
Variant type: single nucleotide variant.
Coding change: c.5713G>A on transcript NM_004369.4 (MANE Select); coding-DNA position 5713, G replaced by A.
Protein change: p.Glu1905Lys; replaces glutamic acid 1905 with lysine.
Molecular consequence: missense variant.
Genome position (GRCh38, 1-based): chr2:237,365,823, C>T on the plus strand (G>A on the coding strand, the complement: COL6A3 is on the minus strand). VCF-style: chr2-237365823-C-T. GRCh37 (hg19) VCF-style: chr2-238274466-C-T.
Other names: c.3892G>A, p.Glu1298Lys (NM_057166.5); c.5095G>A, p.Glu1699Lys (NM_057167.4); short protein forms E1699K, E1298K, E1905K.
Identifiers: ClinVar variation 2127891 (VCV002127891.4), dbSNP rs746388527, ClinGen allele CA2188598.